The following is an entry in ClinVar:

ClinVar aggregate classification (germline): Uncertain significance (1 of 4 stars; one submission).

Conditions:
Hereditary cancer-predisposing syndrome. Also called: Hereditary neoplastic syndrome; Hereditary Cancer Syndrome; Neoplastic Syndromes, Hereditary; Tumor predisposition. Identifiers: Orphanet 140162, MedGen C0027672, MeSH D009386, MONDO:0015356.

Submission:

Ambry Genetics
Classification: Uncertain significance for Hereditary cancer-predisposing syndrome. Last evaluated: 2023-03-23. Review status: criteria provided, single submitter. Criteria: Ambry Variant Classification Scheme 2023. Collection method: clinical testing. Allele origin: germline.
Comment: The p.E311Q variant (also known as c.931G>C), located in coding exon 9 of the EPCAM gene, results from a G to C substitution at nucleotide position 931. The glutamic acid at codon 311 is replaced by glutamine, an amino acid with highly similar properties. This amino acid position is conserved. In addition, this alteration is predicted to be tolerated by in silico analysis. Since supporting evidence is limited at this time, the clinical significance of this alteration remains unclear.

NM_002354.3(EPCAM):c.931G>C (p.Glu311Gln)

Gene: EPCAM (epithelial cell adhesion molecule; plus strand). Cytogenetic location: 2p21.
Variant type: single nucleotide variant.
Coding change: c.931G>C on transcript NM_002354.3 (MANE Select); coding-DNA position 931, G replaced by C.
Protein change: p.Glu311Gln; replaces glutamic acid 311 with glutamine.
Molecular consequence: missense variant.
Genome position (GRCh38, 1-based): chr2:47,386,599, G>C. VCF-style: chr2-47386599-G-C. GRCh37 (hg19) VCF-style: chr2-47613738-G-C.
Other names: short protein forms E311Q.
Identifiers: ClinVar variation 2566625 (VCV002566625.2), dbSNP rs747486977, ClinGen allele CA346725979.